The following is an entry in ClinVar:

ClinVar aggregate classification (germline): Likely benign (1 of 4 stars; one submission).

Allele frequency attached by ClinVar (database versions not stated): gnomAD exomes below 0.00001; ExAC 0.00002; gnomAD 0.00005; TOPMed 0.00005.
gnomAD v4.1: 13 of 1,613,582 alleles (0.00081%); highest among the groups gnomAD compares: African/African-American, 0.016%; no homozygotes.

Submission:

CeGaT Center for Human Genetics Tuebingen
Classification: Likely benign. Last evaluated: 2023-09-01. Review status: criteria provided, single submitter. Criteria: CeGaT Center For Human Genetics Tuebingen Variant Classification Criteria Version 2. Collection method: clinical testing. Allele origin: germline. Affected: yes. Observed: 1 variant allele.
Comment: HYDIN: BP4

NM_001270974.2(HYDIN):c.14623C>G (p.Leu4875Val)

Gene: HYDIN (HYDIN axonemal central pair apparatus protein; minus strand). Cytogenetic location: 16q22.2.
Variant type: single nucleotide variant.
Coding change: c.14623C>G on transcript NM_001270974.2 (MANE Select); coding-DNA position 14623, C replaced by G.
Protein change: p.Leu4875Val; replaces leucine 4875 with valine.
Molecular consequence: missense variant.
Genome position (GRCh38, 1-based): chr16:70,818,377, G>C on the plus strand (C>G on the coding strand, the complement: HYDIN is on the minus strand). VCF-style: chr16-70818377-G-C. GRCh37 (hg19) VCF-style: chr16-70852280-G-C.
Other names: short protein forms L4875V.
Identifiers: ClinVar variation 2646689 (VCV002646689.24), dbSNP rs756752724, ClinGen allele CA8148418.
Genomic context (GRCh38, chr16:70,818,377, plus strand): 5'-GCCCCCGACAGCCAAGGGGCCGTACCTCGGAGTTGGCAGGCACCACAAACTGGGAGGGCA[G>C]GGCGATGTCGGGCATCCGGCATTCCGTGGAGAAGGTCACCGAGTAGGGCAGAGGGTTCTC-3'
Protein context (NP_001257903.1, residues 4865-4885): STECRMPDIA[Leu4875Val]PSQFVVPANS